The following is an entry in ClinVar:

ClinVar aggregate classification (germline): Uncertain significance (1 of 4 stars; one submission).

Conditions:
Gastrointestinal stromal tumor. Also called: Gastrointestinal stromal tumor, somatic; Gastrointestinal stroma tumor. Identifiers: Orphanet 44890, MedGen C0238198, MeSH D046152, MONDO:0011719, OMIM 606764, HP:0100723.

Allele frequency attached by ClinVar (database versions not stated): TOPMed 0.00001.
gnomAD v4.1: 1 of 1,613,600 alleles (0.000062%); highest among the groups gnomAD compares: Non-Finnish European, 0.000085%; no homozygotes.

Submission:

Labcorp Genetics (formerly Invitae), Labcorp
Classification: Uncertain significance for Gastrointestinal stromal tumor. Last evaluated: 2025-12-23. Review status: criteria provided, single submitter. Criteria: Invitae Variant Classification Sherloc (09022015). Collection method: clinical testing. Allele origin: germline.
Comment: This sequence change replaces histidine, which is basic and polar, with asparagine, which is neutral and polar, at codon 697 of the KIT protein (p.His697Asn). This variant is not present in population databases (gnomAD no frequency). This variant has not been reported in the literature in individuals affected with KIT-related conditions. ClinVar contains an entry for this variant (Variation ID: 956145). An algorithm developed to predict the effect of missense changes on protein structure and function (PolyPhen-2) suggests that this variant is likely to be tolerated. In summary, the available evidence is currently insufficient to determine the role of this variant in disease. Therefore, it has been classified as a Variant of Uncertain Significance.

NM_000222.3(KIT):c.2089C>A (p.His697Asn)

Gene: KIT (KIT proto-oncogene, receptor tyrosine kinase; plus strand). Cytogenetic location: 4q12.
Variant type: single nucleotide variant.
Coding change: c.2089C>A on transcript NM_000222.3 (MANE Select); coding-DNA position 2089, C replaced by A.
Protein change: p.His697Asn; replaces histidine 697 with asparagine.
Molecular consequence: missense variant.
Genome position (GRCh38, 1-based): chr4:54,729,433, C>A. VCF-style: chr4-54729433-C-A. GRCh37 (hg19) VCF-style: chr4-55595599-C-A.
Other names: c.2077C>A, p.His693Asn (NM_001093772.2, NM_001385286.1); c.2092C>A, p.His698Asn (NM_001385284.1, NM_001385290.1); c.2089C>A, p.His697Asn (NM_001385285.1); c.2080C>A, p.His694Asn (NM_001385288.1, NM_001385292.1); short protein forms H697N, H693N, H694N, H698N.
Identifiers: ClinVar variation 956145 (VCV000956145.8), dbSNP rs763308199, ClinGen allele CA356909702.